The following is an entry in ClinVar:

ClinVar aggregate classification (germline): Uncertain significance (1 of 4 stars; one submission).

Allele frequency attached by ClinVar (database versions not stated): TOPMed 0.00002; gnomAD 0.00001; gnomAD exomes 0.00001.

Submission:

Labcorp Genetics (formerly Invitae), Labcorp
Classification: Uncertain significance. Last evaluated: 2021-03-07. Review status: criteria provided, single submitter. Criteria: Invitae Variant Classification Sherloc (09022015). Collection method: clinical testing. Allele origin: germline.
Comment: This variant is not present in population databases (ExAC no frequency). This variant has not been reported in the literature in individuals with CUL7-related conditions. Algorithms developed to predict the effect of missense changes on protein structure and function are either unavailable or do not agree on the potential impact of this missense change (SIFT: "Deleterious"; PolyPhen-2: "Probably Damaging"; Align-GVGD: "Class C0"). In summary, the available evidence is currently insufficient to determine the role of this variant in disease. Therefore, it has been classified as a Variant of Uncertain Significance. This sequence change replaces arginine with histidine at codon 27 of the CUL7 protein (p.Arg27His). The arginine residue is highly conserved and there is a small physicochemical difference between arginine and histidine.

NM_014780.5(CUL7):c.80G>A (p.Arg27His)

Gene: CUL7 (cullin 7; minus strand). Cytogenetic location: 6p21.1.
Variant type: single nucleotide variant.
Coding change: c.80G>A on transcript NM_014780.5 (MANE Select); coding-DNA position 80, G replaced by A.
Protein change: p.Arg27His; replaces arginine 27 with histidine.
Molecular consequence: missense variant.
Genome position (GRCh38, 1-based): chr6:43,052,709, C>T on the plus strand (G>A on the coding strand, the complement: CUL7 is on the minus strand). VCF-style: chr6-43052709-C-T. GRCh37 (hg19) VCF-style: chr6-43020447-C-T.
Other names: c.80G>A, p.Arg27His (NM_001168370.2, NM_001374872.1, NM_001374873.1 and 1 more transcripts); short protein forms R27H.
Identifiers: ClinVar variation 1345212 (VCV001345212.8), dbSNP rs1013106506, ClinGen allele CA138252215.